The following is an entry in ClinVar:

NM_001365276.2(TNXB):c.6550G>A (p.Glu2184Lys)

Gene: TNXB (tenascin XB; minus strand). Cytogenetic location: 6p21.33.
Variant type: single nucleotide variant.
Coding change: c.6550G>A on transcript NM_001365276.2 (MANE Select); coding-DNA position 6550, G replaced by A.
Protein change: p.Glu2184Lys; replaces glutamic acid 2184 with lysine.
Molecular consequence: missense variant.
Genome position (GRCh38, 1-based): chr6:32,065,112, C>T on the plus strand (G>A on the coding strand, the complement: TNXB is on the minus strand). VCF-style: chr6-32065112-C-T. GRCh37 (hg19) VCF-style: chr6-32032889-C-T.
Other names: c.6550G>A, p.Glu2184Lys (NM_019105.8); short protein forms E2184K.
Identifiers: ClinVar variation 1695495 (VCV001695495.4), dbSNP rs754026612, ClinGen allele CA3734386.

ClinVar aggregate classification (germline): Conflicting classifications of pathogenicity. Review status: criteria provided, conflicting classifications (1 of 4 stars). 2 submissions from 2 submitters: Uncertain significance (1); Likely benign (1). Last evaluated 2023-02-16.

Conditions:
Cardiovascular phenotype. Identifiers: MedGen CN230736.

Allele frequency attached by ClinVar (database versions not stated): gnomAD exomes below 0.00001 and 0.00001; TOPMed 0.00001; ExAC 0.00003.
gnomAD v4.1: 2 of 1,569,178 alleles (0.00013%); highest among the groups gnomAD compares: African/African-American, 0.0013%; no homozygotes.

Submissions (2):

Ambry Genetics
Classification: Likely benign for Cardiovascular phenotype. Last evaluated: 2023-02-16. Review status: criteria provided, single submitter. Criteria: Ambry Variant Classification Scheme 2023. Collection method: clinical testing. Allele origin: germline.

GeneDx
Classification: Uncertain significance. Last evaluated: 2022-06-29. Review status: criteria provided, single submitter. Criteria: GeneDx Variant Classification Process June 2021. Collection method: clinical testing. Allele origin: germline. Affected: yes.
Comment: Has not been previously published as pathogenic or benign to our knowledge; Not observed at significant frequency in large population cohorts (gnomAD); In silico analysis supports that this missense variant does not alter protein structure/function